The following is an entry in ClinVar:

ClinVar aggregate classification (germline): Pathogenic (1 of 4 stars; one submission).

Submission:

Labcorp Genetics (formerly Invitae), Labcorp
Classification: Pathogenic. Last evaluated: 2023-05-18. Review status: criteria provided, single submitter. Criteria: Invitae Variant Classification Sherloc (09022015). Collection method: clinical testing. Allele origin: germline.
Comment: For these reasons, this variant has been classified as Pathogenic. This variant has not been reported in the literature in individuals affected with LIFR-related conditions. This variant is not present in population databases (gnomAD no frequency). This sequence change creates a premature translational stop signal (p.Ser44Argfs*9) in the LIFR gene. It is expected to result in an absent or disrupted protein product. Loss-of-function variants in LIFR are known to be pathogenic (PMID: 14740318). For these reasons, this variant has been classified as Pathogenic. This variant has not been reported in the literature in individuals affected with LIFR-related conditions. This variant is not present in population databases (gnomAD no frequency). This sequence change creates a premature translational stop signal (p.Ser44Argfs*9) in the LIFR gene. It is expected to result in an absent or disrupted protein product. Loss-of-function variants in LIFR are known to be pathogenic (PMID: 14740318).

Literature cited by the submitters: PubMed 14740318.

NM_001127671.2(LIFR):c.132_135del (p.Ser44fs)

Gene: LIFR (LIF receptor subunit alpha; minus strand). Cytogenetic location: 5p13.1.
Variant type: Deletion.
Coding change: c.132_135del on transcript NM_001127671.2 (MANE Select); coding-DNA positions 132 to 135, 4 bases deleted (CCAG; older notation c.132_135delCCAG).
Protein change: p.Ser44fs; shifts the reading frame from serine 44.
Molecular consequence: frameshift variant.
Genome position (GRCh38, 1-based): chr5:38,530,513-38,530,516, CTGG deleted on the plus strand (CCAG on the coding strand, the reverse complement: LIFR is on the minus strand); deleting any 4 consecutive bases within chr5:38,530,513-38,530,518 gives the same sequence; the c. name uses the placement nearest the transcript's 3' end. VCF-style (leftmost placement, unchanged base first): chr5-38530512-TCTGG-T. GRCh37 (hg19) VCF-style: chr5-38530614-TCTGG-T.
Other names: c.132_135del, p.Ser44fs (NM_001364297.2, NM_001364298.2, NM_002310.6); short protein forms S44fs.
Identifiers: ClinVar variation 2865408 (VCV002865408.3), dbSNP rs2531144958, ClinGen allele CA2739274705.